The following is an entry in ClinVar:

NM_023932.4(DLK2):c.93C>T (p.Ser31=)

Gene: DLK2 (delta like non-canonical Notch ligand 2; minus strand). Cytogenetic location: 6p21.1.
Variant type: single nucleotide variant.
Coding change: c.93C>T on transcript NM_023932.4 (MANE Select); coding-DNA position 93, C replaced by T.
Protein change: p.Ser31=; no amino-acid change (serine 31 retained).
Molecular consequence: synonymous variant.
Genome position (GRCh38, 1-based): chr6:43,454,458, G>A on the plus strand (C>T on the coding strand, the complement: DLK2 is on the minus strand). VCF-style: chr6-43454458-G-A. GRCh37 (hg19) VCF-style: chr6-43422196-G-A.
Other names: c.93C>T, p.Ser31= (NM_001286655.1, NM_001286656.2, NM_206539.2).
Identifiers: ClinVar variation 2656603 (VCV002656603.24), dbSNP rs34764062, ClinGen allele CA3824015.
Genomic context (GRCh38, chr6:43,454,458, plus strand): 5'-TCAGGACAGGTACCTGCAGGAGCCGTCAGGTGCACAGCAGCCGTGGGCCAGGTCACAGTG[G>A]GAGCTGCAGTCATCGGCTGCAAGAGATTGATGTGGGAGGGGTGAGTCTGAGTCAGGGCAC-3'
Protein context (NP_076421.2, residues 21-41): GQPVRADDCS[Ser31=]HCDLAHGCCA

ClinVar aggregate classification (germline): Likely benign (1 of 4 stars; one submission).

Allele frequency attached by ClinVar (database versions not stated): 1000 Genomes Project 30x 0.00390; 1000 Genomes Project 0.00399; TOPMed 0.00569; ESP Exome Variant Server 0.00654; gnomAD 0.00654; ExAC 0.00938.

Submission:

CeGaT Center for Human Genetics Tuebingen
Classification: Likely benign. Last evaluated: 2023-04-01. Review status: criteria provided, single submitter. Criteria: CeGaT Center For Human Genetics Tuebingen Variant Classification Criteria Version 2. Collection method: clinical testing. Allele origin: germline. Affected: yes. Observed: 1 variant allele.
Comment: DLK2: BP4, BP7, BS2